The following is an entry in ClinVar:

NM_170606.3(KMT2C):c.1823A>G (p.Gln608Arg)

Gene: KMT2C (lysine methyltransferase 2C; minus strand). Cytogenetic location: 7q36.1.
Variant type: single nucleotide variant.
Coding change: c.1823A>G on transcript NM_170606.3 (MANE Select); coding-DNA position 1823, A replaced by G.
Protein change: p.Gln608Arg; replaces glutamine 608 with arginine.
Molecular consequence: missense variant.
Genome position (GRCh38, 1-based): chr7:152,248,611, T>C on the plus strand (A>G on the coding strand, the complement: KMT2C is on the minus strand). VCF-style: chr7-152248611-T-C. GRCh37 (hg19) VCF-style: chr7-151945696-T-C.
Other names: short protein forms Q608R.
Identifiers: ClinVar variation 3535516 (VCV003535516.9).

ClinVar aggregate classification (germline): Likely benign. Review status: criteria provided, multiple submitters, no conflicts (2 of 4 stars). 2 submissions from 2 submitters: Likely benign (2). Last evaluated 2025-08-01.

Conditions:
Inborn genetic diseases. Identifiers: MedGen C0950123, MeSH D030342.

gnomAD v4.1: 106 of 1,601,944 alleles (0.0066%); highest among the groups gnomAD compares: Non-Finnish European, 0.0087%; no homozygotes.

Submissions (2):

CeGaT Center for Human Genetics Tuebingen
Classification: Likely benign. Last evaluated: 2025-08-01. Review status: criteria provided, single submitter. Criteria: CeGaT Center For Human Genetics Tuebingen Variant Classification Criteria Version 2. Collection method: clinical testing. Allele origin: germline. Affected: yes. Observed: 1 variant allele.
Comment: KMT2C: BP4, BS2

Ambry Genetics
Classification: Likely benign for Inborn genetic diseases. Last evaluated: 2024-11-08. Review status: criteria provided, single submitter. Criteria: Ambry Variant Classification Scheme 2023. Collection method: clinical testing. Allele origin: germline.